The following is an entry in ClinVar:

ClinVar aggregate classification (germline): Likely pathogenic. Review status: criteria provided, single submitter (1 of 4 stars). 2 submissions from 2 submitters: Likely pathogenic (1). 1 of the submissions does not count toward it. Last evaluated 2019-06-27.

Conditions:
Odontochondrodysplasia 1. Identifiers: Orphanet 166272, MedGen C5542277, MONDO:0100325, OMIM 184260.

Allele frequency attached by ClinVar (database versions not stated): gnomAD exomes below 0.00001; ExAC 0.00001.
gnomAD v4.1: 2 of 1,613,642 alleles (0.00012%); highest among the groups gnomAD compares: Non-Finnish European, 0.00017%; no homozygotes.

Submissions (2):

SIB Swiss Institute of Bioinformatics
Classification: Likely pathogenic for Odontochondrodysplasia 1. Last evaluated: 2019-06-27. Review status: criteria provided, single submitter. Criteria: ACMG Guidelines, 2015. Collection method: curation. Allele origin: unknown.
Comment: This variant is interpreted as a Likely pathogenic for Odontochondrodysplasia, autosomal recessive. The following ACMG Tag(s) were applied: PM2, PVS1.

OMIM
Classification: Pathogenic for ODONTOCHONDRODYSPLASIA 1. Last evaluated: 2021-04-12. Review status: no assertion criteria provided. Collection method: literature only. Allele origin: germline. Not counted in ClinVar's aggregate classification.

Literature cited by the submitters: PubMed 30728324 (cited by SIB Swiss Institute of Bioinformatics and OMIM).

NM_004239.4(TRIP11):c.4534C>T (p.Gln1512Ter)

Gene: TRIP11 (thyroid hormone receptor interactor 11; minus strand). Cytogenetic location: 14q32.12.
Variant type: single nucleotide variant.
Coding change: c.4534C>T on transcript NM_004239.4 (MANE Select); coding-DNA position 4534, C replaced by T.
Protein change: p.Gln1512Ter; replaces glutamine 1512 with a stop codon.
Molecular consequence: nonsense.
Genome position (GRCh38, 1-based): chr14:92,003,442, G>A on the plus strand (C>T on the coding strand, the complement: TRIP11 is on the minus strand). VCF-style: chr14-92003442-G-A. GRCh37 (hg19) VCF-style: chr14-92469786-G-A.
Other names: c.4531C>T, p.Gln1511Ter (NM_001321851.1); short protein forms Q1512*, Q1511*.
Identifiers: ClinVar variation 619109 (VCV000619109.3), dbSNP rs780625551, ClinGen allele CA7313440.